The following is an entry in ClinVar:

NM_033131.4(WNT3A):c.345T>G (p.Ile115Met)

Gene: WNT3A (Wnt family member 3A; plus strand). Cytogenetic location: 1q42.13.
Variant type: single nucleotide variant.
Coding change: c.345T>G on transcript NM_033131.4 (MANE Select); coding-DNA position 345, T replaced by G.
Protein change: p.Ile115Met; replaces isoleucine 115 with methionine.
Molecular consequence: missense variant.
Genome position (GRCh38, 1-based): chr1:228,050,687, T>G. VCF-style: chr1-228050687-T-G. GRCh37 (hg19) VCF-style: chr1-228238388-T-G.
Other names: c.345T>G (NM_033131.3); short protein forms I115M.
Identifiers: ClinVar variation 1438537 (VCV001438537.7), dbSNP rs745466989, ClinGen allele CA1429441.

ClinVar aggregate classification (germline): Uncertain significance. Review status: criteria provided, multiple submitters, no conflicts (2 of 4 stars). 2 submissions from 2 submitters: Uncertain significance (2). Last evaluated 2025-03-09.

Allele frequency attached by ClinVar (database versions not stated): gnomAD exomes 0.00002 and 0.00004; TOPMed 0.00002; ExAC 0.00003; gnomAD 0.00003 and 0.00004.
gnomAD v4.1: 67 of 1,611,278 alleles (0.0042%); highest among the groups gnomAD compares: Non-Finnish European, 0.0054%; no homozygotes.

Submissions (2):

Ambry Genetics
Classification: Uncertain significance. Last evaluated: 2025-03-09. Review status: criteria provided, single submitter. Criteria: Ambry Variant Classification Scheme 2023. Collection method: clinical testing. Allele origin: germline.

Labcorp Genetics (formerly Invitae), Labcorp
Classification: Uncertain significance. Last evaluated: 2023-05-01. Review status: criteria provided, single submitter. Criteria: Invitae Variant Classification Sherloc (09022015). Collection method: clinical testing. Allele origin: germline.
Comment: In summary, the available evidence is currently insufficient to determine the role of this variant in disease. Therefore, it has been classified as a Variant of Uncertain Significance. Advanced modeling of protein sequence and biophysical properties (such as structural, functional, and spatial information, amino acid conservation, physicochemical variation, residue mobility, and thermodynamic stability) performed at Invitae indicates that this missense variant is not expected to disrupt WNT3A protein function. ClinVar contains an entry for this variant (Variation ID: 1438537). This variant has not been reported in the literature in individuals affected with WNT3A-related conditions. This variant is present in population databases (rs745466989, gnomAD 0.005%). This sequence change replaces isoleucine, which is neutral and non-polar, with methionine, which is neutral and non-polar, at codon 115 of the WNT3A protein (p.Ile115Met).